The following is an entry in ClinVar:

ClinVar aggregate classification (germline): Likely pathogenic (1 of 4 stars; one submission).

Conditions:
Epidermolysis bullosa, junctional 2B, severe. Also called: EPIDERMOLYSIS BULLOSA, JUNCTIONAL 2B, GENERALIZED SEVERE; EPIDERMOLYSIS BULLOSA, JUNCTIONAL 2B, HERLITZ TYPE. Identifiers: MedGen C5676937, MONDO:0030747, OMIM 619784.

Submission:

Neuberg Centre For Genomic Medicine, NCGM
Classification: Likely pathogenic for Epidermolysis bullosa, junctional 2B, severe. Last evaluated: 2023-06-22. Review status: criteria provided, single submitter. Criteria: ACMG Guidelines, 2015. Collection method: clinical testing. Allele origin: germline. Inheritance: Autosomal recessive inheritance. Affected: yes.
Comment: The frameshift c.6464dup (p.Leu2156AlafsTer12) variant in the LAMA3 gene has not been reported previously as a pathogenic variant nor as a benign variant, to our knowledge. The variant is absent in gnomAD Exomes. This variant causes a frameshift starting with codon Leucine 2156, changes this amino acid to Alanine residue, and creates a premature Stop codon at position 12 of the new reading frame, denoted p.Leu2156AlafsTer12. This variant is predicted to cause loss of normal protein function through protein truncation. Loss of function variants have been previously reported to be disease causing. For these reasons, this variant has been classified as Likely Pathogenic.

NM_198129.4(LAMA3):c.6464dup (p.Leu2156fs)

Gene: LAMA3 (laminin subunit alpha 3; plus strand). Cytogenetic location: 18q11.2.
Variant type: Duplication.
Coding change: c.6464dup on transcript NM_198129.4 (MANE Select); coding-DNA position 6464, one base duplicated (A; older notation c.6464dupA).
Protein change: p.Leu2156fs; shifts the reading frame from leucine 2156.
Molecular consequence: frameshift variant.
Genome position (GRCh38, 1-based): chr18:23,904,078, A duplicated. VCF-style (leftmost placement, unchanged base first): chr18-23904077-C-CA. GRCh37 (hg19) VCF-style: chr18-21484041-C-CA.
Other names: c.1637dup, p.Leu547fs (NM_000227.6); c.6296dup, p.Leu2100fs (NM_001127717.4); c.1469dup, p.Leu491fs (NM_001127718.4); short protein forms L2100fs, L2156fs, L491fs, L547fs.
Identifiers: ClinVar variation 3377707 (VCV003377707.1).
Genomic context (GRCh38, chr18:23,904,077, plus strand): 5'-AAAACATCCCTTGTGGAGGAGGCAGAAAAGCACGCGCGGTCCTTACAAGAGCTGGCAAAG[C>CA]AGCTGGAAGAGTGAGTGCATGGCCCAGGAGACCAGAAGGGCACGTGGGCTGAGCTCAGCA-3'